The following is an entry in ClinVar:

NM_001298.3(CNGA3):c.455A>G (p.Lys152Arg)

Gene: CNGA3 (cyclic nucleotide gated channel subunit alpha 3; plus strand). Cytogenetic location: 2q11.2.
Variant type: single nucleotide variant.
Coding change: c.455A>G on transcript NM_001298.3 (MANE Select); coding-DNA position 455, A replaced by G.
Protein change: p.Lys152Arg; replaces lysine 152 with arginine.
Molecular consequence: missense variant.
Genome position (GRCh38, 1-based): chr2:98,389,663, A>G. VCF-style: chr2-98389663-A-G. GRCh37 (hg19) VCF-style: chr2-99006126-A-G.
Other names: c.401A>G, p.Lys134Arg (NM_001079878.2); short protein forms K134R, K152R.
Identifiers: ClinVar variation 1910141 (VCV001910141.5), dbSNP rs765188294, ClinGen allele CA1793762.

ClinVar aggregate classification (germline): Uncertain significance (1 of 4 stars; one submission).

Allele frequency attached by ClinVar (database versions not stated): ExAC 0.00001; gnomAD exomes 0.00001; TOPMed 0.00001.
gnomAD v4.1: 3 of 1,613,950 alleles (0.00019%); highest among the groups gnomAD compares: Admixed American, 0.0033%; no homozygotes.

Submission:

Labcorp Genetics (formerly Invitae), Labcorp
Classification: Uncertain significance. Last evaluated: 2023-08-10. Review status: criteria provided, single submitter. Criteria: Invitae Variant Classification Sherloc (09022015). Collection method: clinical testing. Allele origin: germline.
Comment: This sequence change replaces lysine, which is basic and polar, with arginine, which is basic and polar, at codon 152 of the CNGA3 protein (p.Lys152Arg). This variant is present in population databases (rs765188294, gnomAD 0.007%). This variant has not been reported in the literature in individuals affected with CNGA3-related conditions. ClinVar contains an entry for this variant (Variation ID: 1910141). Advanced modeling of protein sequence and biophysical properties (such as structural, functional, and spatial information, amino acid conservation, physicochemical variation, residue mobility, and thermodynamic stability) performed at Invitae indicates that this missense variant is not expected to disrupt CNGA3 protein function. In summary, the available evidence is currently insufficient to determine the role of this variant in disease. Therefore, it has been classified as a Variant of Uncertain Significance.